The following is an entry in ClinVar:

ClinVar aggregate classification (germline): Benign (1 of 4 stars; one submission).

Conditions:
MELAS syndrome (MELAS). Also called: Juvenile myopathy, encephalopathy, lactic acidosis, stroke. Identifiers: Orphanet 550, MedGen C0162671, MONDO:0010789, OMIM 540000.

Submission:

Wong Mito Lab, Molecular and Human Genetics, Baylor College of Medicine
Classification: Benign for MELAS syndrome. Last evaluated: 2019-07-12. Review status: criteria provided, single submitter. Criteria: Modified ACMG Guidelines (Unpublished). Collection method: clinical testing. Allele origin: germline.
Comment: The NC_012920.1:m.4353T>C variant in MT-TQ gene is interpreted to be a Benign variant based on the modified ACMG guidelines (unpublished). This variant meets the following evidence codes reported in the guidelines: BS1, BS4, BP4

Literature cited by the submitters: PubMed 31965079.

NC_012920.1(MT-TQ):m.4353T>C

Gene: MT-TQ (mitochondrially encoded tRNA glutamine; minus strand).
Variant type: single nucleotide variant.
Genome position: chrM-4353-T-C.
Identifiers: ClinVar variation 689891 (VCV000689891.1), dbSNP rs1603219419, ClinGen allele CA913177829.